The following is an entry in ClinVar:

ClinVar aggregate classification (germline): Uncertain significance. Review status: criteria provided, multiple submitters, no conflicts (2 of 4 stars). 2 submissions from 2 submitters: Uncertain significance (2). Last evaluated 2025-10-20.

Conditions:
Werner syndrome (WRN). Identifiers: Orphanet 902, MedGen C0043119, MONDO:0010196, OMIM 277700.

Allele frequency attached by ClinVar (database versions not stated): ExAC 0.00001; gnomAD exomes 0.00001; TOPMed 0.00001; gnomAD 0.00002 and 0.00003.
gnomAD v4.1: 17 of 1,613,564 alleles (0.0011%); highest among the groups gnomAD compares: East Asian, 0.0067%; no homozygotes.

Submissions (2):

Labcorp Genetics (formerly Invitae), Labcorp
Classification: Uncertain significance for Werner syndrome. Last evaluated: 2025-10-20. Review status: criteria provided, single submitter. Criteria: Invitae Variant Classification Sherloc (09022015). Collection method: clinical testing. Allele origin: germline.
Comment: This sequence change replaces aspartic acid, which is acidic and polar, with asparagine, which is neutral and polar, at codon 249 of the WRN protein (p.Asp249Asn). This variant is present in population databases (rs758055295, gnomAD 0.01%). This variant has not been reported in the literature in individuals affected with WRN-related conditions. ClinVar contains an entry for this variant (Variation ID: 911003). An algorithm developed to predict the effect of missense changes on protein structure and function (PolyPhen-2) suggests that this variant is likely to be disruptive. In summary, the available evidence is currently insufficient to determine the role of this variant in disease. Therefore, it has been classified as a Variant of Uncertain Significance.

Illumina Laboratory Services, Illumina
Classification: Uncertain significance for Werner syndrome. Last evaluated: 2018-01-13. Review status: criteria provided, single submitter. Criteria: ICSL Variant Classification Criteria 13 December 2019. Collection method: clinical testing. Allele origin: germline.

NM_000553.6(WRN):c.745G>A (p.Asp249Asn)

Gene: WRN (WRN RecQ like helicase; plus strand). Cytogenetic location: 8p12.
Variant type: single nucleotide variant.
Coding change: c.745G>A on transcript NM_000553.6 (MANE Select); coding-DNA position 745, G replaced by A.
Protein change: p.Asp249Asn; replaces aspartic acid 249 with asparagine.
Molecular consequence: missense variant.
Genome position (GRCh38, 1-based): chr8:31,076,193, G>A. VCF-style: chr8-31076193-G-A. GRCh37 (hg19) VCF-style: chr8-30933709-G-A.
Other names: short protein forms D249N.
Identifiers: ClinVar variation 911003 (VCV000911003.9), dbSNP rs758055295, ClinGen allele CA4704159.